The following is an entry in ClinVar:

ClinVar aggregate classification (germline): Pathogenic (1 of 4 stars; one submission).

Submission:

Labcorp Genetics (formerly Invitae), Labcorp
Classification: Pathogenic. Last evaluated: 2023-11-28. Review status: criteria provided, single submitter. Criteria: Invitae Variant Classification Sherloc (09022015). Collection method: clinical testing. Allele origin: germline.
Comment: This sequence change creates a premature translational stop signal (p.Pro222Glnfs*38) in the GNPTG gene. While this is not anticipated to result in nonsense mediated decay, it is expected to disrupt the last 84 amino acid(s) of the GNPTG protein. This variant is not present in population databases (gnomAD no frequency). This variant has not been reported in the literature in individuals affected with GNPTG-related conditions. Experimental studies and prediction algorithms are not available or were not evaluated, and the functional significance of this variant is currently unknown. Algorithms developed to predict the effect of sequence changes on RNA splicing suggest that this variant may disrupt the consensus splice site. In summary, the available evidence is currently insufficient to determine the role of this variant in disease. Therefore, it has been classified as a Variant of Uncertain Significance.

NM_032520.5(GNPTG):c.665del (p.Pro222fs)

Gene: GNPTG (N-acetylglucosamine-1-phosphate transferase subunit gamma; plus strand). Cytogenetic location: 16p13.3.
Variant type: Deletion.
Coding change: c.665del on transcript NM_032520.5 (MANE Select); coding-DNA position 665, one base deleted (C; older notation c.665delC).
Protein change: p.Pro222fs; shifts the reading frame from proline 222.
Molecular consequence: frameshift variant.
Genome position (GRCh38, 1-based): chr16:1,362,666, C deleted; the last of 4 consecutive C bases (chr16:1,362,663-1,362,666); deleting any one gives the same sequence. VCF-style (leftmost placement, unchanged base first): chr16-1362662-AC-A. GRCh37 (hg19) VCF-style: chr16-1412663-AC-A.
Other names: short protein forms P222fs.
Identifiers: ClinVar variation 2699483 (VCV002699483.3), dbSNP rs2141864091, ClinGen allele CA2630961282.